The following is an entry in ClinVar:

NM_000053.4(ATP7B):c.4151A>G (p.Tyr1384Cys)

Gene: ATP7B (ATPase copper transporting beta; minus strand). Cytogenetic location: 13q14.3.
Variant type: single nucleotide variant.
Coding change: c.4151A>G on transcript NM_000053.4 (MANE Select); coding-DNA position 4151, A replaced by G.
Protein change: p.Tyr1384Cys; replaces tyrosine 1384 with cysteine.
Molecular consequence: missense variant.
Genome position (GRCh38, 1-based): chr13:51,935,003, T>C on the plus strand (A>G on the coding strand, the complement: ATP7B is on the minus strand). VCF-style: chr13-51935003-T-C. GRCh37 (hg19) VCF-style: chr13-52509139-T-C.
Other names: c.3530A>G, p.Tyr1177Cys (NM_001005918.3); c.3818A>G, p.Tyr1273Cys (NM_001243182.2); c.3917A>G, p.Tyr1306Cys (NM_001330578.2, NM_001406527.1, NM_001406528.1); c.3899A>G, p.Tyr1300Cys (NM_001330579.2, NM_001406531.1, NM_001406532.1); c.4151A>G, p.Tyr1384Cys (NM_001406511.1, NM_001406512.1); c.4145A>G, p.Tyr1382Cys (NM_001406513.1); c.4118A>G, p.Tyr1373Cys (NM_001406514.1); c.4097A>G, p.Tyr1366Cys (NM_001406515.1, NM_001406516.1); and 21 more; short protein forms Y1157C, Y1168C, Y1288C, Y1300C, Y1323C, Y1373C, Y1384C, Y954C.
Identifiers: ClinVar variation 3576275 (VCV003576275.2).
Genomic context (GRCh38, chr13:51,935,003, plus strand): 5'-ATGTGCACACTGACCTGGGATGCCGTCAGGGGCTTCATGTGGCCATGCGCCTGTGCCTCA[T>C]ACCTCTCCAGGTCAGGCTTCTTATAGCTGGAAAGCAGGAACGCAACAGCATCTGAGCCAT-3'
Protein context (NP_000044.2, residues 1374-1394): KCYKKPDLER[Tyr1384Cys]EAQAHGHMKP

ClinVar aggregate classification (germline): Uncertain significance. Review status: criteria provided, multiple submitters, no conflicts (2 of 4 stars). 2 submissions from 2 submitters: Uncertain significance (2). Last evaluated 2025-06-30.

Conditions:
Wilson disease (WND). Also called: Wilson's disease. Identifiers: Orphanet 905, MedGen C0019202, MONDO:0010200, OMIM 277900. Disease mechanism: loss of function.

gnomAD v4.1: 3 of 1,613,884 alleles (0.00019%); highest among the groups gnomAD compares: South Asian, 0.0022%; no homozygotes.

Submissions (2):

Color Diagnostics, LLC DBA Color Health
Classification: Uncertain significance for Wilson disease. Last evaluated: 2025-06-30. Review status: criteria provided, single submitter. Criteria: ACMG Guidelines, 2015. Collection method: clinical testing. Allele origin: germline.
Comment: This missense variant replaces tyrosine with cysteine at codon 1384 of the ATP7B protein. Computational prediction suggests that this variant may not impact protein structure and function. To our knowledge, functional studies have not been reported for this variant. This variant has not been reported in individuals affected with ATP7B-related disorders in the literature. This variant has been identified in 1/247262 chromosomes in the general population by the Genome Aggregation Database (gnomAD). The available evidence is insufficient to determine the role of this variant in disease conclusively. Therefore, this variant is classified as a Variant of Uncertain Significance.

Fulgent Genetics
Classification: Uncertain significance for Wilson disease. Last evaluated: 2024-03-20. Review status: criteria provided, single submitter. Criteria: ACMG Guidelines, 2015. Collection method: clinical testing. Allele origin: germline.